The following is an entry in ClinVar:

ClinVar aggregate classification (germline): Uncertain significance (1 of 4 stars; one submission).

Conditions:
Familial temporal lobe epilepsy 7. Identifiers: Orphanet 101046, MedGen C4225327, MONDO:0014639, OMIM 616436.
Norman-Roberts syndrome (LIS2). Also called: Lissencephaly 2 (Norman-Roberts type). Identifiers: Orphanet 89844, MedGen C0796089, MONDO:0009760, OMIM 257320.

gnomAD v4.1: 1 of 1,613,986 alleles (0.000062%); no homozygotes.

Submission:

Labcorp Genetics (formerly Invitae), Labcorp
Classification: Uncertain significance for Familial temporal lobe epilepsy 7; Norman-Roberts syndrome. Last evaluated: 2025-02-15. Review status: criteria provided, single submitter. Criteria: Invitae Variant Classification Sherloc (09022015). Collection method: clinical testing. Allele origin: germline.
Comment: This sequence change replaces glutamic acid, which is acidic and polar, with glutamine, which is neutral and polar, at codon 713 of the RELN protein (p.Glu713Gln). This variant is not present in population databases (gnomAD no frequency). This variant has not been reported in the literature in individuals affected with RELN-related conditions. Invitae Evidence Modeling of protein sequence and biophysical properties (such as structural, functional, and spatial information, amino acid conservation, physicochemical variation, residue mobility, and thermodynamic stability) has been performed for this missense variant. However, the output from this modeling did not meet the statistical confidence thresholds required to predict the impact of this variant on RELN protein function. In summary, the available evidence is currently insufficient to determine the role of this variant in disease. Therefore, it has been classified as a Variant of Uncertain Significance.

NM_005045.4(RELN):c.2137G>C (p.Glu713Gln)

Gene: RELN (reelin; minus strand). Cytogenetic location: 7q22.1.
Variant type: single nucleotide variant.
Coding change: c.2137G>C on transcript NM_005045.4 (MANE Select); coding-DNA position 2137, G replaced by C.
Protein change: p.Glu713Gln; replaces glutamic acid 713 with glutamine.
Molecular consequence: missense variant.
Genome position (GRCh38, 1-based): chr7:103,636,401, C>G on the plus strand (G>C on the coding strand, the complement: RELN is on the minus strand). VCF-style: chr7-103636401-C-G. GRCh37 (hg19) VCF-style: chr7-103276848-C-G.
Other names: c.2137G>C, p.Glu713Gln (NM_173054.3); short protein forms E713Q.
Identifiers: ClinVar variation 3757497 (VCV003757497.2).